The following is an entry in ClinVar:

NM_001100913.3(PACS2):c.2110G>A (p.Ala704Thr)

Gene: PACS2 (phosphofurin acidic cluster sorting protein 2; plus strand). Cytogenetic location: 14q32.33.
Variant type: single nucleotide variant.
Coding change: c.2110G>A on transcript NM_001100913.3 (MANE Select); coding-DNA position 2110, G replaced by A.
Protein change: p.Ala704Thr; replaces alanine 704 with threonine.
Molecular consequence: missense variant.
Genome position (GRCh38, 1-based): chr14:105,391,240, G>A. VCF-style: chr14-105391240-G-A. GRCh37 (hg19) VCF-style: chr14-105857577-G-A.
Other names: c.1840G>A, p.Ala614Thr (NM_001243127.3); c.2065G>A, p.Ala689Thr (NM_015197.4); c.2110G>A (NM_001100913.2); short protein forms A689T, A704T, A614T.
Identifiers: ClinVar variation 1496779 (VCV001496779.8), dbSNP rs1555414742, ClinGen allele CA391185587.

ClinVar aggregate classification (germline): Uncertain significance. Review status: criteria provided, multiple submitters, no conflicts (2 of 4 stars). 2 submissions from 2 submitters: Uncertain significance (2). Last evaluated 2025-08-03.

Conditions:
PACS2-related disorder. Also called: PACS2-related condition.

Allele frequency attached by ClinVar (database versions not stated): gnomAD 0.00001.
gnomAD v4.1: 1 of 1,612,606 alleles (0.000062%); highest among the groups gnomAD compares: Non-Finnish European, 0.000085%; no homozygotes.

Submissions (2):

Labcorp Genetics (formerly Invitae), Labcorp
Classification: Uncertain significance. Last evaluated: 2025-08-03. Review status: criteria provided, single submitter. Criteria: Invitae Variant Classification Sherloc (09022015). Collection method: clinical testing. Allele origin: germline.
Comment: This sequence change replaces alanine, which is neutral and non-polar, with threonine, which is neutral and polar, at codon 704 of the PACS2 protein (p.Ala704Thr). This variant is present in population databases (no rsID available, gnomAD 0.007%). This variant has not been reported in the literature in individuals affected with PACS2-related conditions. ClinVar contains an entry for this variant (Variation ID: 1496779). Invitae Evidence Modeling of protein sequence and biophysical properties (such as structural, functional, and spatial information, amino acid conservation, physicochemical variation, residue mobility, and thermodynamic stability) indicates that this missense variant is not expected to disrupt PACS2 protein function with a negative predictive value of 80%. In summary, the available evidence is currently insufficient to determine the role of this variant in disease. Therefore, it has been classified as a Variant of Uncertain Significance.

PreventionGenetics, part of Exact Sciences
Classification: Uncertain significance for PACS2-related condition. Last evaluated: 2023-09-13. Review status: criteria provided, single submitter. Criteria: ACMG Guidelines, 2015. Collection method: clinical testing. Allele origin: germline.
Comment: The PACS2 c.2110G>A variant is predicted to result in the amino acid substitution p.Ala704Thr. To our knowledge, this variant has not been reported in the literature. This variant is reported in 0.0065% of alleles in individuals of European (Non-Finnish) descent in gnomAD. At this time, the clinical significance of this variant is uncertain due to the absence of conclusive functional and genetic evidence.